The following is an entry in ClinVar:

ClinVar aggregate classification (germline): Uncertain significance (1 of 4 stars; one submission).

Conditions:
Nemaline myopathy 2 (NEM2). Also called: Nemaline myopathy 2, autosomal recessive. Identifiers: MedGen C1850569, MONDO:0009725, OMIM 256030.

Submission:

Labcorp Genetics (formerly Invitae), Labcorp
Classification: Uncertain significance for Nemaline myopathy 2. Last evaluated: 2022-01-14. Review status: criteria provided, single submitter. Criteria: Invitae Variant Classification Sherloc (09022015). Collection method: clinical testing. Allele origin: germline.
Comment: This sequence change replaces lysine, which is basic and polar, with arginine, which is basic and polar, at codon 3814 of the NEB protein (p.Lys3814Arg). This variant is not present in population databases (gnomAD no frequency). This variant has not been reported in the literature in individuals affected with NEB-related conditions. Algorithms developed to predict the effect of missense changes on protein structure and function are either unavailable or do not agree on the potential impact of this missense change (SIFT: "Deleterious"; PolyPhen-2: "Not Available"; Align-GVGD: "Class C0"). In summary, the available evidence is currently insufficient to determine the role of this variant in disease. Therefore, it has been classified as a Variant of Uncertain Significance.

NM_001164508.2(NEB):c.11441A>G (p.Lys3814Arg)

Gene: NEB (nebulin; minus strand). Cytogenetic location: 2q23.3.
Variant type: single nucleotide variant.
Coding change: c.11441A>G on transcript NM_001164508.2 (MANE Select); coding-DNA position 11441, A replaced by G.
Protein change: p.Lys3814Arg; replaces lysine 3814 with arginine.
Molecular consequence: missense variant.
Genome position (GRCh38, 1-based): chr2:151,614,436, T>C on the plus strand (A>G on the coding strand, the complement: NEB is on the minus strand). VCF-style: chr2-151614436-T-C. GRCh37 (hg19) VCF-style: chr2-152470950-T-C.
Other names: c.11441A>G, p.Lys3814Arg (NM_001164507.2, NM_001271208.2); c.10712A>G, p.Lys3571Arg (NM_004543.5); short protein forms K3571R, K3814R.
Identifiers: ClinVar variation 1958535 (VCV001958535.2), dbSNP rs2552230081, ClinGen allele CA348781806.